The following is an entry in ClinVar:

NM_006059.4(LAMC3):c.128C>T (p.Ala43Val)

Gene: LAMC3 (laminin subunit gamma 3; plus strand). Cytogenetic location: 9q34.12.
Variant type: single nucleotide variant.
Coding change: c.128C>T on transcript NM_006059.4 (MANE Select); coding-DNA position 128, C replaced by T.
Protein change: p.Ala43Val; replaces alanine 43 with valine.
Molecular consequence: missense variant.
Genome position (GRCh38, 1-based): chr9:131,009,342, C>T. VCF-style: chr9-131009342-C-T. GRCh37 (hg19) VCF-style: chr9-133884729-C-T.
Other names: short protein forms A43V.
Identifiers: ClinVar variation 1921951 (VCV001921951.3), dbSNP rs1240442046, ClinGen allele CA375250436.

ClinVar aggregate classification (germline): Uncertain significance (1 of 4 stars; one submission).

Allele frequency attached by ClinVar (database versions not stated): gnomAD 0.00001; gnomAD exomes 0.00001; TOPMed 0.00001.

Submission:

Labcorp Genetics (formerly Invitae), Labcorp
Classification: Uncertain significance. Last evaluated: 2023-11-27. Review status: criteria provided, single submitter. Criteria: Invitae Variant Classification Sherloc (09022015). Collection method: clinical testing. Allele origin: germline.
Comment: This sequence change replaces alanine, which is neutral and non-polar, with valine, which is neutral and non-polar, at codon 43 of the LAMC3 protein (p.Ala43Val). This variant is not present in population databases (gnomAD no frequency). This variant has not been reported in the literature in individuals affected with LAMC3-related conditions. ClinVar contains an entry for this variant (Variation ID: 1921951). An algorithm developed to predict the effect of missense changes on protein structure and function (PolyPhen-2) suggests that this variant is likely to be disruptive. In summary, the available evidence is currently insufficient to determine the role of this variant in disease. Therefore, it has been classified as a Variant of Uncertain Significance.